The following is an entry in ClinVar:

ClinVar aggregate classification (germline): Uncertain significance (1 of 4 stars; one submission).

gnomAD v4.1: 2 of 1,613,932 alleles (0.00012%); highest among the groups gnomAD compares: African/African-American, 0.0013%; no homozygotes.

Submission:

Ambry Genetics
Classification: Uncertain significance. Last evaluated: 2025-08-03. Review status: criteria provided, single submitter. Criteria: Ambry Variant Classification Scheme 2023. Collection method: clinical testing. Allele origin: germline.
Comment: The p.I34T variant (also known as c.101T>C), located in coding exon 2 of the NEBL gene, results from a T to C substitution at nucleotide position 101. The isoleucine at codon 34 is replaced by threonine, an amino acid with similar properties. This amino acid position is conserved. In addition, this alteration is predicted to be tolerated by in silico analysis. Based on the available evidence, the clinical significance of this variant remains unclear.

NM_006393.3(NEBL):c.101T>C (p.Ile34Thr)

Gene: NEBL (nebulette; minus strand). Cytogenetic location: 10p12.31.
Variant type: single nucleotide variant.
Coding change: c.101T>C on transcript NM_006393.3 (MANE Select); coding-DNA position 101, T replaced by C.
Protein change: p.Ile34Thr; replaces isoleucine 34 with threonine.
Molecular consequence: missense variant. On other transcripts: intron variant (9).
Genome position (GRCh38, 1-based): chr10:20,897,010, A>G on the plus strand (T>C on the coding strand, the complement: NEBL is on the minus strand). VCF-style: chr10-20897010-A-G. GRCh37 (hg19) VCF-style: chr10-21185939-A-G.
Other names: c.249+64662T>C (NM_001377326.1, NM_001377327.1, NM_001377328.1); c.357+64662T>C (NM_213569.2, NM_001173484.2, NM_001377322.1); c.300+64662T>C (NM_001377324.1); c.291+64662T>C (NM_001377325.1); c.309+64662T>C (NM_001377323.1); short protein forms I34T.
Identifiers: ClinVar variation 4118408 (VCV004118408.1).